The following is an entry in ClinVar:

NM_213599.3(ANO5):c.2201T>C (p.Leu734Pro)

Gene: ANO5 (anoctamin 5; plus strand). Cytogenetic location: 11p14.3.
Variant type: single nucleotide variant.
Coding change: c.2201T>C on transcript NM_213599.3 (MANE Select); coding-DNA position 2201, T replaced by C.
Protein change: p.Leu734Pro; replaces leucine 734 with proline.
Molecular consequence: missense variant.
Genome position (GRCh38, 1-based): chr11:22,272,955, T>C. VCF-style: chr11-22272955-T-C. GRCh37 (hg19) VCF-style: chr11-22294501-T-C.
Other names: c.2198T>C, p.Leu733Pro (NM_001142649.2); short protein forms L733P, L734P.
Identifiers: ClinVar variation 1055959 (VCV001055959.7), dbSNP rs2133788943, ClinGen allele CA379923993.

ClinVar aggregate classification (germline): Uncertain significance (1 of 4 stars; one submission).

Conditions:
Autosomal recessive limb-girdle muscular dystrophy type 2L (LGMDR12). Also called: Limb-girdle muscular dystrophy, type 2L; MUSCULAR DYSTROPHY, LIMB-GIRDLE, AUTOSOMAL RECESSIVE 12; Limb-Girdle Muscular Dystrophy R12 Anoctamin-5-Related (LGMD-R12). Identifiers: Orphanet 206549, MedGen C1969785, MONDO:0012652, OMIM 611307.
Gnathodiaphyseal dysplasia (GDD). Also called: OSTEOGENESIS IMPERFECTA WITH UNUSUAL SKELETAL LESIONS; GNATHODIAPHYSEAL SCLEROSIS. Identifiers: Orphanet 53697, MedGen C1833736, MONDO:0008151, OMIM 166260.

Allele frequency attached by ClinVar (database versions not stated): gnomAD exomes below 0.00001.
gnomAD v4.1: 1 of 1,614,100 alleles (0.000062%); highest among the groups gnomAD compares: Non-Finnish European, 0.000085%; no homozygotes.

Submission:

Labcorp Genetics (formerly Invitae), Labcorp
Classification: Uncertain significance for Autosomal recessive limb-girdle muscular dystrophy type 2L; Gnathodiaphyseal dysplasia. Last evaluated: 2024-05-23. Review status: criteria provided, single submitter. Criteria: Invitae Variant Classification Sherloc (09022015). Collection method: clinical testing. Allele origin: germline.
Comment: This sequence change replaces leucine, which is neutral and non-polar, with proline, which is neutral and non-polar, at codon 734 of the ANO5 protein (p.Leu734Pro). This variant is not present in population databases (gnomAD no frequency). This missense change has been observed in individual(s) with limb-girdle muscular dystrophy (PMID: 35741838). ClinVar contains an entry for this variant (Variation ID: 1055959). Advanced modeling of protein sequence and biophysical properties (such as structural, functional, and spatial information, amino acid conservation, physicochemical variation, residue mobility, and thermodynamic stability) performed at Invitae indicates that this missense variant is expected to disrupt ANO5 protein function with a positive predictive value of 95%. In summary, the available evidence is currently insufficient to determine the role of this variant in disease. Therefore, it has been classified as a Variant of Uncertain Significance.

Literature cited by the submitters: PubMed 35741838.